The following is an entry in ClinVar:

NM_000075.4(CDK4):c.699dup (p.Pro234fs)

Genes: TSPAN31 (tetraspanin 31; plus strand), CDK4 (cyclin dependent kinase 4; minus strand). Cytogenetic location: 12q14.1.
Variant type: Duplication.
Coding change: c.699dup on transcript NM_000075.4 (MANE Select); coding-DNA position 699, one base duplicated (T; older notation c.699dupT).
Protein change: p.Pro234fs; shifts the reading frame from proline 234.
Molecular consequence: frameshift variant. On other transcripts: 3 prime UTR variant (3).
Genome position (GRCh38, 1-based): chr12:57,749,302, A duplicated on the plus strand (T on the coding strand, the reverse complement: CDK4 is on the minus strand). VCF-style (leftmost placement, unchanged base first): chr12-57749301-G-GA. GRCh37 (hg19) VCF-style: chr12-58143084-G-GA.
Other names: c.*2012dup (NM_001330168.2, NM_001330169.2, NM_005981.5); short protein forms P234fs.
Identifiers: ClinVar variation 3489497 (VCV003489497.1).
Genomic context (GRCh38, chr12:57,749,301, plus strand): 5'-GCCCTCTGGGGGGAAAGGCTCCACGGGGCAGGGATACATCTCGAGGCCAGTCATCCTCTG[G>GA]AGGCAGCCCAATCAGGCTGTGGGGGACAGGAGAACTCTGGTCAGGAGGGTCCTCCAGTTC-3'

ClinVar aggregate classification (germline): Uncertain significance (1 of 4 stars; one submission).

Conditions:
Hereditary cancer-predisposing syndrome. Also called: Tumor predisposition; Neoplastic Syndromes, Hereditary; Hereditary Cancer Syndrome; Hereditary neoplastic syndrome. Identifiers: Orphanet 140162, MedGen C0027672, MeSH D009386, MONDO:0015356.

Submission:

Ambry Genetics
Classification: Uncertain significance for Hereditary cancer-predisposing syndrome. Last evaluated: 2024-08-10. Review status: criteria provided, single submitter. Criteria: Ambry Variant Classification Scheme 2023. Collection method: clinical testing. Allele origin: germline.
Comment: The c.699dupT variant, located in coding exon 6 of the CDK4 gene, results from a duplication of T at nucleotide position 699, causing a translational frameshift with a predicted alternate stop codon (p.P234Sfs*4). This alteration is expected to result in loss of function by premature protein truncation or nonsense-mediated mRNA decay. However, loss of function of CDK4 has not been established as a mechanism of disease. Based on the available evidence, the clinical significance of this alteration remains unclear.